The following is an entry in ClinVar:

ClinVar aggregate classification (germline): Pathogenic (0 of 4 stars; one submission).

Submission:

Quest Diagnostics Nichols Institute San Juan Capistrano
Classification: Pathogenic. Last evaluated: 2021-02-01. Review status: no assertion criteria provided. Collection method: clinical testing. Allele origin: germline.
Comment: The copy number gain of 2q22.2q23.3 involves 20 protein-coding genes including ZEB2 (OMIM 605802), MBD5 (OMIM 611472) and KIF5C (OMIM 604593). It is expected to cause phenotypic and/or developmental abnormalities. Duplications of variable size over this region, mostly de novo, have been reported. The common features include developmental delay, cognitive impairment, facial dysmorphism, seizures, multiple congenital anomalies and behavioral abnormalities. Chung et al., reported two patients with duplications of region 2q23.1-2q23.2 including both EPC2 and MBD5 presenting with developmental delay and autistic features (Chung et al., Eur J Hum Genet. 2012 Apr;20(4):398-403. PMID: 22085900). Smaller duplications involving only ZEB2 or MBD5 gene locus have also been reported. Particularly, in a case series study of patients carrying duplications or deletions of 2q22.2q23.3, Mullegama et al. suggested the smallest region of overlap involved a single MBD5 gene locus (Mullegama et al. Eur J Hum Genet. 2014 Jan;22(1):57-63. PMID: 23632792). A de novo duplication at 2q22.2 including ZEB2, ARHGAP15 and GTDC1, was also reported in a patient with conotruncal heart defects (Mak et al., NPJ Genom Med. 2016 Sep 14;1:16033. PMID: 29263819).

GRCh37/hg19 2q22.2-23.3(chr2:142409401-152680804)x3

Genes: ACVR2A (activin A receptor type 2A; plus strand), ARHGAP15 (Rho GTPase activating protein 15; plus strand), ARL5A (ARF like GTPase 5A; minus strand), EPC2 (enhancer of polycomb 2; plus strand), KYNU (kynureninase; plus strand) and 14 more. Cytogenetic location: 2q22.2-23.3.
Variant type: copy number gain.
Change: copy number 3 (three copies instead of two) of chr2:142,409,401-152,680,804 (10.27 Mb, GRCh37 coordinates, 1-based), cytogenetic band 2q22.2-23.3.
Identifiers: ClinVar variation 1341063 (VCV001341063.1).